The following is an entry in ClinVar:

NM_004523.4(KIF11):c.2765del (p.Pro922fs)

Gene: KIF11 (kinesin family member 11; plus strand). Cytogenetic location: 10q23.33.
Variant type: Deletion.
Coding change: c.2765del on transcript NM_004523.4 (MANE Select); coding-DNA position 2765, one base deleted (C; older notation c.2765delC).
Protein change: p.Pro922fs; shifts the reading frame from proline 922.
Molecular consequence: frameshift variant.
Genome position (GRCh38, 1-based): chr10:92,648,429, C deleted; the last of 3 consecutive C bases (chr10:92,648,427-92,648,429); deleting any one gives the same sequence. VCF-style (leftmost placement, unchanged base first): chr10-92648426-TC-T. GRCh37 (hg19) VCF-style: chr10-94408183-TC-T.
Other names: short protein forms P922fs.
Identifiers: ClinVar variation 4820346 (VCV004820346.1).

ClinVar aggregate classification (germline): Pathogenic (1 of 4 stars; one submission).

Conditions:
Microcephaly with or without chorioretinopathy, lymphedema, or impaired intellectual development. Also called: MICROCEPHALY, LYMPHEDEMA, CHORIORETINAL DYSPLASIA SYNDROME; Microcephaly lymphedema chorioretinal dysplasia; MICROCEPHALY AND CHORIORETINOPATHY WITH OR WITHOUT MENTAL RETARDATION, AUTOSOMAL DOMINANT; Microcephaly with or without chorioretinopathy, lymphedema, or mental retardation; Microcephaly with or without chorioretinopathy, lymphedema, or intellectual disability. Identifiers: Orphanet 2526, MedGen C1835265, MONDO:0007918, OMIM 152950.

Submission:

Genos
Classification: Pathogenic for Microcephaly with or without chorioretinopathy, lymphedema, or impaired intellectual development. Last evaluated: 2026-04-01. Review status: criteria provided, single submitter. Criteria: ACMG Guidelines, 2015. Collection method: clinical testing. Allele origin: de novo. Inheritance: Autosomal dominant inheritance. Affected: yes.
Comment: The variant causes a frameshift and a premature termination codon, likely leading to mRNA degradation through the NMD mechanism. The variant is absent from control chromosomes in the gnomAD v4.1.0 database. To date, it has not been described in the literature. Parental testing confirmed the variant to be de novo. According to ACMG recommendations, the variant was classified as pathogenic (criteria: PVS1, PM2, PM6, PP4).